The following is an entry in ClinVar:

NM_198253.3(TERT):c.82G>C (p.Val28Leu)

Genes: TERT (telomerase reverse transcriptase; minus strand), LOC110806263 (TERT 5' regulatory region; plus strand). Cytogenetic location: 5p15.33.
Variant type: single nucleotide variant.
Coding change: c.82G>C on transcript NM_198253.3 (MANE Select); coding-DNA position 82, G replaced by C.
Protein change: p.Val28Leu; replaces valine 28 with leucine.
Molecular consequence: missense variant. On other transcripts: non-coding transcript variant (2).
Genome position (GRCh38, 1-based): chr5:1,294,908, C>G on the plus strand (G>C on the coding strand, the complement: TERT is on the minus strand). VCF-style: chr5-1294908-C-G. GRCh37 (hg19) VCF-style: chr5-1295023-C-G.
Other names: c.82G>C, p.Val28Leu (NM_001193376.3); short protein forms V28L.
Identifiers: ClinVar variation 410668 (VCV000410668.14), dbSNP rs1060503000, ClinGen allele CA16611735.

ClinVar aggregate classification (germline): Uncertain significance. Review status: criteria provided, multiple submitters, no conflicts (2 of 4 stars). 4 submissions from 4 submitters: Uncertain significance (4). Last evaluated 2025-11-22.

Conditions:
Dyskeratosis congenita. Identifiers: Orphanet 1775, MedGen C0265965, MONDO:0015780.
Dyskeratosis congenita, autosomal dominant 2. Identifiers: MedGen C3151443, MONDO:0013521, OMIM 613989.
Idiopathic Pulmonary Fibrosis. Also called: Idiopathic fibrosing alveolitis, chronic form; idiopathic fibrosing alveolitis. Identifiers: Orphanet 2032, MedGen C1800706, MeSH D054990, MONDO:0800504.

Allele frequency attached by ClinVar (database versions not stated): TOPMed 0.00001.

Submissions (4):

Labcorp Genetics (formerly Invitae), Labcorp
Classification: Uncertain significance for Dyskeratosis congenita, autosomal dominant 2; Idiopathic Pulmonary Fibrosis. Last evaluated: 2025-11-22. Review status: criteria provided, single submitter. Criteria: Invitae Variant Classification Sherloc (09022015). Collection method: clinical testing. Allele origin: germline.
Comment: This sequence change replaces valine, which is neutral and non-polar, with leucine, which is neutral and non-polar, at codon 28 of the TERT protein (p.Val28Leu). This variant is not present in population databases (gnomAD no frequency). This variant has not been reported in the literature in individuals affected with TERT-related conditions. ClinVar contains an entry for this variant (Variation ID: 410668). Invitae Evidence Modeling of protein sequence and biophysical properties (such as structural, functional, and spatial information, amino acid conservation, physicochemical variation, residue mobility, and thermodynamic stability) indicates that this missense variant is not expected to disrupt TERT protein function with a negative predictive value of 95%. In summary, the available evidence is currently insufficient to determine the role of this variant in disease. Therefore, it has been classified as a Variant of Uncertain Significance.

Ambry Genetics
Classification: Uncertain significance for Dyskeratosis congenita. Last evaluated: 2025-05-21. Review status: criteria provided, single submitter. Criteria: Ambry Variant Classification Scheme 2023. Collection method: clinical testing. Allele origin: germline.
Comment: The p.V28L variant (also known as c.82G>C), located in coding exon 1 of the TERT gene, results from a G to C substitution at nucleotide position 82. The valine at codon 28 is replaced by leucine, an amino acid with highly similar properties. This amino acid position is not well conserved in available vertebrate species. In addition, this alteration is predicted to be tolerated by in silico analysis. Based on the available evidence, the clinical significance of this variant remains unclear.

Baylor Genetics
Classification: Uncertain significance for Dyskeratosis congenita, autosomal dominant 2. Last evaluated: 2023-06-15. Review status: criteria provided, single submitter. Criteria: ACMG Guidelines, 2015. Collection method: clinical testing. Allele origin: unknown.

GeneDx
Classification: Uncertain significance. Last evaluated: 2020-06-17. Review status: criteria provided, single submitter. Criteria: GeneDx Variant Classification Process June 2021. Collection method: clinical testing. Allele origin: germline. Affected: yes.
Comment: Has not been previously published as pathogenic or benign to our knowledge; Not observed in large population cohorts (Lek 2016); In silico analysis supports that this missense variant does not alter protein structure/function